The following is an entry in ClinVar:

ClinVar aggregate classification (germline): Uncertain significance. Review status: criteria provided, multiple submitters, no conflicts (2 of 4 stars). 2 submissions from 2 submitters: Uncertain significance (2). Last evaluated 2025-02-17.

Conditions:
Pseudohyperaldosteronism type 2. Identifiers: Orphanet 88660, MedGen C1854631, MONDO:0011517, OMIM 605115.
Autosomal dominant pseudohypoaldosteronism type 1. Also called: Pseudohypoaldosteronism, Type I, Dominant; Pseudohypoaldosteronism, Type I, Autosomal Dominant; PHA I, AUTOSOMAL DOMINANT. Identifiers: Orphanet 171871, Orphanet 756, MedGen C1449842, MONDO:0008329, OMIM 177735.

Allele frequency attached by ClinVar (database versions not stated): gnomAD exomes below 0.00001.
gnomAD v4.1: 1 of 1,614,090 alleles (0.000062%); highest among the groups gnomAD compares: Non-Finnish European, 0.000085%; no homozygotes.

Submissions (2):

Labcorp Genetics (formerly Invitae), Labcorp
Classification: Uncertain significance. Last evaluated: 2025-02-17. Review status: criteria provided, single submitter. Criteria: Invitae Variant Classification Sherloc (09022015). Collection method: clinical testing. Allele origin: germline.
Comment: This sequence change replaces serine, which is neutral and polar, with arginine, which is basic and polar, at codon 415 of the NR3C2 protein (p.Ser415Arg). This variant is not present in population databases (gnomAD no frequency). This variant has not been reported in the literature in individuals affected with NR3C2-related conditions. ClinVar contains an entry for this variant (Variation ID: 2789164). Invitae Evidence Modeling of protein sequence and biophysical properties (such as structural, functional, and spatial information, amino acid conservation, physicochemical variation, residue mobility, and thermodynamic stability) indicates that this missense variant is not expected to disrupt NR3C2 protein function with a negative predictive value of 80%. In summary, the available evidence is currently insufficient to determine the role of this variant in disease. Therefore, it has been classified as a Variant of Uncertain Significance.

Fulgent Genetics
Classification: Uncertain significance for Autosomal dominant pseudohypoaldosteronism type 1; Pseudohyperaldosteronism type 2. Last evaluated: 2024-06-04. Review status: criteria provided, single submitter. Criteria: ACMG Guidelines, 2015. Collection method: clinical testing. Allele origin: germline.

NM_000901.5(NR3C2):c.1245C>G (p.Ser415Arg)

Gene: NR3C2 (nuclear receptor subfamily 3 group C member 2; minus strand). Cytogenetic location: 4q31.23.
Variant type: single nucleotide variant.
Coding change: c.1245C>G on transcript NM_000901.5 (MANE Select); coding-DNA position 1245, C replaced by G.
Protein change: p.Ser415Arg; replaces serine 415 with arginine.
Molecular consequence: missense variant. On other transcripts: non-coding transcript variant (1).
Genome position (GRCh38, 1-based): chr4:148,435,616, G>C on the plus strand (C>G on the coding strand, the complement: NR3C2 is on the minus strand). VCF-style: chr4-148435616-G-C. GRCh37 (hg19) VCF-style: chr4-149356768-G-C.
Other names: c.1245C>G, p.Ser415Arg (NM_001166104.2, NM_001354819.1); short protein forms S415R.
Identifiers: ClinVar variation 2789164 (VCV002789164.4), dbSNP rs2531826833, ClinGen allele CA358246850.